The following is an entry in ClinVar:

NM_024753.5(TTC21B):c.2698T>C (p.Tyr900His)

Gene: TTC21B (tetratricopeptide repeat domain 21B; minus strand). Cytogenetic location: 2q24.3.
Variant type: single nucleotide variant.
Coding change: c.2698T>C on transcript NM_024753.5 (MANE Select); coding-DNA position 2698, T replaced by C.
Protein change: p.Tyr900His; replaces tyrosine 900 with histidine.
Molecular consequence: missense variant.
Genome position (GRCh38, 1-based): chr2:165,901,781, A>G on the plus strand (T>C on the coding strand, the complement: TTC21B is on the minus strand). VCF-style: chr2-165901781-A-G. GRCh37 (hg19) VCF-style: chr2-166758291-A-G.
Other names: short protein forms Y900H.
Identifiers: ClinVar variation 1499676 (VCV001499676.6), dbSNP rs1336338964, ClinGen allele CA349052420.

ClinVar aggregate classification (germline): Uncertain significance (1 of 4 stars; one submission).

Conditions:
Nephronophthisis. Also called: Juvenile Nephronophthisis. Identifiers: Orphanet 655, MedGen C0687120, MONDO:0019005, HP:0000090.
Jeune thoracic dystrophy. Also called: Jeune syndrome; Short-rib thoracic dysplasia; Infantile thoracic dystrophy; Thoracic pelvic phalangeal dystrophy; Jeune's syndrome; Chondroectodermal dysplasia-like syndrome. Identifiers: Orphanet 474, MedGen C0265275, MONDO:0018770.

gnomAD v4.1: 4 of 1,614,136 alleles (0.00025%); highest among the groups gnomAD compares: Non-Finnish European, 0.00034%; no homozygotes.

Submission:

Labcorp Genetics (formerly Invitae), Labcorp
Classification: Uncertain significance for Jeune thoracic dystrophy; Nephronophthisis. Last evaluated: 2021-08-16. Review status: criteria provided, single submitter. Criteria: Invitae Variant Classification Sherloc (09022015). Collection method: clinical testing. Allele origin: germline.
Comment: Algorithms developed to predict the effect of missense changes on protein structure and function are either unavailable or do not agree on the potential impact of this missense change (SIFT: "Deleterious"; PolyPhen-2: "Benign"; Align-GVGD: "Class C35"). In summary, the available evidence is currently insufficient to determine the role of this variant in disease. Therefore, it has been classified as a Variant of Uncertain Significance. This variant has not been reported in the literature in individuals affected with TTC21B-related conditions. This sequence change replaces tyrosine with histidine at codon 900 of the TTC21B protein (p.Tyr900His). The tyrosine residue is highly conserved and there is a moderate physicochemical difference between tyrosine and histidine. This variant is not present in population databases (ExAC no frequency).